The following is an entry in ClinVar:

ClinVar aggregate classification (germline): Uncertain significance (1 of 4 stars; one submission).

Allele frequency attached by ClinVar (database versions not stated): TOPMed 0.00002 and 0.00001; gnomAD 0.00001.
gnomAD v4.1: 23 of 1,463,204 alleles (0.0016%); highest among the groups gnomAD compares: Middle Eastern, 0.034%; no homozygotes.

Submission:

Women's Health and Genetics/Laboratory Corporation of America, LabCorp
Classification: Uncertain significance. Last evaluated: 2016-12-12. Review status: criteria provided, single submitter. Criteria: LabCorp Variant Classification Summary - May 2015. Collection method: clinical testing. Allele origin: germline.
Comment: Variant summary: The NEB c.3775-22T>C variant involves the alteration of a non-conserved nucleotide, resulting in an intronic change. One in silico tool predicts a benign outcome for this variant. 5/5 splice prediction tools predict no significant impact on normal splicing. ESE finder predicts that this variant may affect ESE site of SRp55. However, these predictions have yet to be confirmed by functional studies. This variant was found in 2/27580 control chromosomes at a frequency of 0.0000725, which does not exceed the estimated maximal expected allele frequency of a pathogenic NEB variant (0.0035355). The variant of interest has not, to our knowledge, been reported in affected individuals via publications and/or reputable databases/clinical diagnostic laboratories; nor evaluated for functional impact by in vivo/vitro studies. Taken together, this variant is classified as VUS-possibly benign.

NM_001164508.2(NEB):c.3775-22T>C

Gene: NEB (nebulin; minus strand). Cytogenetic location: 2q23.3.
Variant type: single nucleotide variant.
Coding change: c.3775-22T>C on transcript NM_001164508.2 (MANE Select); 22 bases into the intron before coding-DNA position 3775, T replaced by C.
Molecular consequence: intron variant.
Genome position (GRCh38, 1-based): chr2:151,675,413, A>G on the plus strand (T>C on the coding strand, the complement: NEB is on the minus strand). VCF-style: chr2-151675413-A-G. GRCh37 (hg19) VCF-style: chr2-152531927-A-G.
Other names: c.3775-22T>C (NM_004543.5, NM_001164507.2, NM_001271208.2).
Identifiers: ClinVar variation 496136 (VCV000496136.1), dbSNP rs748941455, ClinGen allele CA1910824.